The following is an entry in ClinVar:

NM_001378454.1(ALMS1):c.8801A>G (p.Lys2934Arg)

Gene: ALMS1 (ALMS1 centrosome and basal body associated protein; plus strand). Cytogenetic location: 2p13.1.
Variant type: single nucleotide variant.
Coding change: c.8801A>G on transcript NM_001378454.1 (MANE Select); coding-DNA position 8801, A replaced by G.
Protein change: p.Lys2934Arg; replaces lysine 2934 with arginine.
Molecular consequence: missense variant.
Genome position (GRCh38, 1-based): chr2:73,490,760, A>G. VCF-style: chr2-73490760-A-G. GRCh37 (hg19) VCF-style: chr2-73717887-A-G.
Other names: c.8804A>G, p.Lys2935Arg (NM_015120.4); short protein forms K2934R, K2935R.
Identifiers: ClinVar variation 3226634 (VCV003226634.2), dbSNP rs1177908281, ClinGen allele CA347270631.
Genomic context (GRCh38, chr2:73,490,760, plus strand): 5'-TAGCTCCAGACCTTCCTTCTTGCATTTTTCTTGAACAACGAGAACTCTTTGAACAGTGCA[A>G]AGCCCCATATGTAGATCATCAAATGAGAGAAAACCATTCTCCCCTTCCTCAAGGTCAGGA-3'
Protein context (NP_001365383.1, residues 2924-2944): LEQRELFEQC[Lys2934Arg]APYVDHQMRE

ClinVar aggregate classification (germline): Conflicting classifications of pathogenicity. Review status: criteria provided, conflicting classifications (1 of 4 stars). 2 submissions from 2 submitters: Uncertain significance (1); Likely benign (1). Last evaluated 2024-06-09.

Conditions:
Alstrom syndrome (ALMS). Identifiers: Orphanet 64, MedGen C0268425, MONDO:0008763, OMIM 203800.
Cardiovascular phenotype. Identifiers: MedGen CN230736.

Allele frequency attached by ClinVar (database versions not stated): gnomAD exomes below 0.00001; gnomAD 0.00001; TOPMed 0.00001.
gnomAD v4.1: 3 of 1,614,024 alleles (0.00019%); highest among the groups gnomAD compares: African/African-American, 0.0027%; no homozygotes.

Submissions (2):

Labcorp Genetics (formerly Invitae), Labcorp
Classification: Uncertain significance for Alstrom syndrome. Last evaluated: 2024-06-09. Review status: criteria provided, single submitter. Criteria: Invitae Variant Classification Sherloc (09022015). Collection method: clinical testing. Allele origin: germline.
Comment: This sequence change replaces lysine, which is basic and polar, with arginine, which is basic and polar, at codon 2935 of the ALMS1 protein (p.Lys2935Arg). This variant is present in population databases (no rsID available, gnomAD 0.01%). This variant has not been reported in the literature in individuals affected with ALMS1-related conditions. Experimental studies and prediction algorithms are not available or were not evaluated, and the functional significance of this variant is currently unknown. In summary, the available evidence is currently insufficient to determine the role of this variant in disease. Therefore, it has been classified as a Variant of Uncertain Significance.

Ambry Genetics
Classification: Likely benign for Cardiovascular phenotype. Last evaluated: 2024-02-23. Review status: criteria provided, single submitter. Criteria: Ambry Variant Classification Scheme 2023. Collection method: clinical testing. Allele origin: germline.